The following is an entry in ClinVar:

NM_000217.3(KCNA1):c.887T>C (p.Leu296Ser)

Gene: KCNA1 (potassium voltage-gated channel subfamily A member 1; plus strand). Cytogenetic location: 12p13.32.
Variant type: single nucleotide variant.
Coding change: c.887T>C on transcript NM_000217.3 (MANE Select); coding-DNA position 887, T replaced by C.
Protein change: p.Leu296Ser; replaces leucine 296 with serine.
Molecular consequence: missense variant.
Genome position (GRCh38, 1-based): chr12:4,912,265, T>C. VCF-style: chr12-4912265-T-C. GRCh37 (hg19) VCF-style: chr12-5021431-T-C.
Other names: short protein forms L296S.
Identifiers: ClinVar variation 1809958 (VCV001809958.1), dbSNP rs2497353339, ClinGen allele CA383455558.

ClinVar aggregate classification (germline): Uncertain significance (1 of 4 stars; one submission).

Submission:

GeneDx
Classification: Uncertain significance. Last evaluated: 2022-06-30. Review status: criteria provided, single submitter. Criteria: GeneDx Variant Classification Process June 2021. Collection method: clinical testing. Allele origin: germline. Affected: yes.
Comment: Not observed at significant frequency in large population cohorts (gnomAD); In silico analysis supports that this missense variant has a deleterious effect on protein structure/function; Has not been previously published as pathogenic or benign to our knowledge